The following is an entry in ClinVar:

NM_001033855.3(DCLRE1C):c.1892C>T (p.Pro631Leu)

Gene: DCLRE1C (DNA cross-link repair 1C; minus strand). Cytogenetic location: 10p13.
Variant type: single nucleotide variant.
Coding change: c.1892C>T on transcript NM_001033855.3 (MANE Select); coding-DNA position 1892, C replaced by T.
Protein change: p.Pro631Leu; replaces proline 631 with leucine.
Molecular consequence: missense variant. On other transcripts: non-coding transcript variant (3), intron variant (3).
Genome position (GRCh38, 1-based): chr10:14,908,595, G>A on the plus strand (C>T on the coding strand, the complement: DCLRE1C is on the minus strand). VCF-style: chr10-14908595-G-A. GRCh37 (hg19) VCF-style: chr10-14950594-G-A.
Other names: c.1532C>T, p.Pro511Leu (NM_001289079.2, NM_001033857.3, NM_001033858.3 and 1 more transcripts); c.1547C>T, p.Pro516Leu (NM_022487.4, NM_001289076.2, NM_001289078.2); c.1437+110C>T (NM_001350966.2); c.1782+110C>T (NM_001350965.2); c.1422+110C>T (NM_001350967.2); short protein forms P511L, P516L, P631L.
Identifiers: ClinVar variation 4799400 (VCV004799400.1).

ClinVar aggregate classification (germline): Uncertain significance (1 of 4 stars; one submission).

Conditions:
Severe combined immunodeficiency due to DCLRE1C deficiency (RS-SCID). Also called: SCID, AUTOSOMAL RECESSIVE, T CELL-NEGATIVE, B CELL-NEGATIVE, NK CELL-POSITIVE, WITH SENSITIVITY TO IONIZING RADIATION. Identifiers: Orphanet 275, MedGen C1865371, MONDO:0011225, OMIM 602450.

Submission:

Labcorp Genetics (formerly Invitae), Labcorp
Classification: Uncertain significance for Athabaskan severe combined immunodeficiency. Last evaluated: 2025-08-14. Review status: criteria provided, single submitter. Criteria: Invitae Variant Classification Sherloc (09022015). Collection method: clinical testing. Allele origin: germline.
Comment: This sequence change replaces proline, which is neutral and non-polar, with leucine, which is neutral and non-polar, at codon 631 of the DCLRE1C protein (p.Pro631Leu). This variant is not present in population databases (gnomAD no frequency). This variant has not been reported in the literature in individuals affected with DCLRE1C-related conditions. An algorithm developed to predict the effect of missense changes on protein structure and function outputs the following: PolyPhen-2: "Benign". The leucine amino acid residue is found in multiple mammalian species, which suggests that this missense change does not adversely affect protein function. In summary, the available evidence is currently insufficient to determine the role of this variant in disease. Therefore, it has been classified as a Variant of Uncertain Significance.